The following is an entry in ClinVar:

ClinVar aggregate classification (germline): Uncertain significance (1 of 4 stars; one submission).

Conditions:
Neurofibromatosis, type 1 (NF1). Also called: Peripheral type neurofibromatosis; VON RECKLINGHAUSEN DISEASE; Neurofibromatosis, type I; NEUROFIBROMATOSIS, TYPE I, SOMATIC. Identifiers: Orphanet 636, MedGen C0027831, MONDO:0018975, OMIM 162200. Disease mechanism: loss of function.

Submission:

Labcorp Genetics (formerly Invitae), Labcorp
Classification: Uncertain significance for Neurofibromatosis, type 1. Last evaluated: 2019-08-28. Review status: criteria provided, single submitter. Criteria: Invitae Variant Classification Sherloc (09022015). Collection method: clinical testing. Allele origin: germline.
Comment: In summary, the available evidence is currently insufficient to determine the role of this variant in disease. Therefore, it has been classified as a Variant of Uncertain Significance. Algorithms developed to predict the effect of missense changes on protein structure and function are either unavailable or do not agree on the potential impact of this missense change (SIFT: "Deleterious"; PolyPhen-2: "Possibly Damaging"; Align-GVGD: "Class C0"). This variant has not been reported in the literature in individuals with NF1-related conditions. This variant is not present in population databases (ExAC no frequency). This sequence change replaces methionine with arginine at codon 1285 of the NF1 protein (p.Met1285Arg). The methionine residue is moderately conserved and there is a moderate physicochemical difference between methionine and arginine.

NM_001042492.3(NF1):c.3854T>G (p.Met1285Arg)

Gene: NF1 (neurofibromin 1; plus strand). Cytogenetic location: 17q11.2.
Variant type: single nucleotide variant.
Coding change: c.3854T>G on transcript NM_001042492.3 (MANE Select); coding-DNA position 3854, T replaced by G.
Protein change: p.Met1285Arg; replaces methionine 1285 with arginine.
Molecular consequence: missense variant.
Genome position (GRCh38, 1-based): chr17:31,235,756, T>G. VCF-style: chr17-31235756-T-G. GRCh37 (hg19) VCF-style: chr17-29562774-T-G.
Other names: c.3854T>G, p.Met1285Arg (NM_000267.4); short protein forms M1285R.
Identifiers: ClinVar variation 936861 (VCV000936861.6), dbSNP rs2067189465, ClinGen allele CA398992867.
Genomic context (GRCh38, chr17:31,235,756, plus strand): 5'-TAGAATTGGCAGACTCCATGCAGACTCTCTTCCGAGGCAACAGCTTGGCCAGTAAAATAA[T>G]GACATTCTGTTTCAAGGTTTGTATCATTCATTTTGTGTGTATGTGTGTGCTGAGGTATGT-3'
Protein context (NP_001035957.1, residues 1275-1295): FRGNSLASKI[Met1285Arg]TFCFKVYGAT